The following is an entry in ClinVar:

NM_020312.4(COQ9):c.124G>A (p.Val42Met)

Gene: COQ9 (coenzyme Q9; plus strand). Cytogenetic location: 16q21.
Variant type: single nucleotide variant.
Coding change: c.124G>A on transcript NM_020312.4 (MANE Select); coding-DNA position 124, G replaced by A.
Protein change: p.Val42Met; replaces valine 42 with methionine.
Molecular consequence: missense variant.
Genome position (GRCh38, 1-based): chr16:57,451,090, G>A. VCF-style: chr16-57451090-G-A. GRCh37 (hg19) VCF-style: chr16-57485002-G-A.
Other names: short protein forms V42M.
Identifiers: ClinVar variation 3363718 (VCV003363718.1).

ClinVar aggregate classification (germline): Uncertain significance (1 of 4 stars; one submission).

gnomAD v4.1: 2 of 1,614,038 alleles (0.00012%); highest among the groups gnomAD compares: African/African-American, 0.0027%; no homozygotes.

Submission:

GeneDx
Classification: Uncertain significance. Last evaluated: 2023-11-01. Review status: criteria provided, single submitter. Criteria: GeneDx Variant Classification Process June 2021. Collection method: clinical testing. Allele origin: germline. Affected: yes.
Comment: Not observed at significant frequency in large population cohorts (gnomAD); In silico analysis supports that this missense variant does not alter protein structure/function; Has not been previously published as pathogenic or benign to our knowledge